The following is an entry in ClinVar:

ClinVar aggregate classification (germline): Uncertain significance (1 of 4 stars; one submission).

Conditions:
Stormorken syndrome (STRMK). Also called: THROMBOCYTOPATHY, ASPLENIA, AND MIOSIS. Identifiers: Orphanet 3204, MedGen C1861451, MONDO:0008497, OMIM 185070.
Myopathy with tubular aggregates (TAM). Also called: Tubular Aggregate Myopathy. Identifiers: Orphanet 2593, MedGen C0410207, MONDO:0008051.
Combined immunodeficiency due to STIM1 deficiency. Also called: IMMUNODEFICIENCY 10; STIM1 DEFICIENCY. Identifiers: Orphanet 169090, Orphanet 317430, MedGen C2748557, MONDO:0013008, OMIM 612783.

Submission:

Labcorp Genetics (formerly Invitae), Labcorp
Classification: Uncertain significance for Myopathy with tubular aggregates; Combined immunodeficiency due to STIM1 deficiency; Stormorken syndrome. Last evaluated: 2022-09-01. Review status: criteria provided, single submitter. Criteria: Invitae Variant Classification Sherloc (09022015). Collection method: clinical testing. Allele origin: germline.
Comment: In summary, the available evidence is currently insufficient to determine the role of this variant in disease. Therefore, it has been classified as a Variant of Uncertain Significance. Algorithms developed to predict the effect of missense changes on protein structure and function are either unavailable or do not agree on the potential impact of this missense change (SIFT: "Deleterious"; PolyPhen-2: "Possibly Damaging"; Align-GVGD: "Class C0"). ClinVar contains an entry for this variant (Variation ID: 1044282). This variant has not been reported in the literature in individuals affected with STIM1-related conditions. This variant is not present in population databases (gnomAD no frequency). This sequence change replaces alanine, which is neutral and non-polar, with valine, which is neutral and non-polar, at codon 268 of the STIM1 protein (p.Ala268Val).

NM_001382567.1(STIM1):c.803C>T (p.Ala268Val)

Gene: STIM1 (stromal interaction molecule 1; plus strand). Cytogenetic location: 11p15.4.
Variant type: single nucleotide variant.
Coding change: c.803C>T on transcript NM_001382567.1 (MANE Select); coding-DNA position 803, C replaced by T.
Protein change: p.Ala268Val; replaces alanine 268 with valine.
Molecular consequence: missense variant.
Genome position (GRCh38, 1-based): chr11:4,074,513, C>T. VCF-style: chr11-4074513-C-T. GRCh37 (hg19) VCF-style: chr11-4095743-C-T.
Other names: c.803C>T, p.Ala268Val (NM_001277961.3, NM_001277962.2, NM_001382568.1 and 2 more transcripts); c.581C>T, p.Ala194Val (NM_001382566.1, NM_001382573.1, NM_001382574.1 and 5 more transcripts); c.668C>T, p.Ala223Val (NM_001382569.1); c.575C>T, p.Ala192Val (NM_001382570.1); c.323C>T, p.Ala108Val (NM_001382571.1); c.314C>T, p.Ala105Val (NM_001382580.1, NM_001382581.1); short protein forms A108V, A194V, A223V, A105V, A192V, A268V.
Identifiers: ClinVar variation 1044282 (VCV001044282.9), dbSNP rs2094425773, ClinGen allele CA379190191.
Genomic context (GRCh38, chr11:4,074,513, plus strand): 5'-TGGCACCCCCTTGCCTGGCCTCCTCCAGCTCCCTGCATTGCCCCCCCAGGCTGCACAAGG[C>T]CCAGGAGGAGCACCGCACAGTGGAGGTGGAGAAGGTCCATCTGGAAAAGAAGCTGCGCGA-3'
Protein context (NP_001369496.1, residues 258-278): LHDLQERLHK[Ala268Val]QEEHRTVEVE